The following is an entry in ClinVar:

ClinVar aggregate classification (germline): Pathogenic/Likely pathogenic. Review status: criteria provided, multiple submitters, no conflicts (2 of 4 stars). 5 submissions from 5 submitters: Pathogenic (2); Likely pathogenic (2). 1 of the submissions does not count toward it. Last evaluated 2026-01-16.

Conditions:
Tyrosinemia type I (TYRSN1). Also called: Fumarylacetoacetase deficiency; Deficiency of fumarylacetoacetase; FAH DEFICIENCY; HEPATORENAL TYROSINEMIA; Tyrosinemia type 1. Identifiers: Orphanet 882, MedGen C0268490, MONDO:0010161, OMIM 276700. Disease mechanism: loss of function.

Allele frequency attached by ClinVar (database versions not stated): TOPMed 0.00001.
gnomAD v4.1: 2 of 1,614,244 alleles (0.00012%); highest among the groups gnomAD compares: Non-Finnish European, 0.000085%; no homozygotes.

Submissions (5):

Natera, Inc.
Classification: Likely pathogenic for Tyrosinemia type I. Last evaluated: 2026-01-16. Review status: criteria provided, single submitter. Criteria: Natera Variant Classification Schema (03/2026). Collection method: clinical testing. Allele origin: germline.
Comment: The c.424A>G variant in FAH is a missense variant predicted to cause substitution of arginine to glycine at amino acid 142. This variant is rare in the general population with a frequency below the threshold expected for the associated phenotype(s). This variant has been observed in one or more individuals affected with the associated recessive disease, as either homozygous or compound heterozygous with a second variant (PMID: 27397503). Functional studies show that this variant may disrupt protein function (PMID: 27397503). Computational prediction algorithms indicate this variant is likely to affect gene or protein function. Given the available evidence, this variant is classified as Likely Pathogenic.

Labcorp Genetics (formerly Invitae), Labcorp
Classification: Likely pathogenic for Tyrosinemia type I. Last evaluated: 2023-04-28. Review status: criteria provided, single submitter. Criteria: Invitae Variant Classification Sherloc (09022015). Collection method: clinical testing. Allele origin: germline.
Comment: This sequence change replaces arginine, which is basic and polar, with glycine, which is neutral and non-polar, at codon 142 of the FAH protein (p.Arg142Gly). This variant is not present in population databases (gnomAD no frequency). This missense change has been observed in individual(s) with clinical features of FAH-related conditions (PMID: 27397503). It has also been observed to segregate with disease in related individuals. ClinVar contains an entry for this variant (Variation ID: 928613). Advanced modeling of protein sequence and biophysical properties (such as structural, functional, and spatial information, amino acid conservation, physicochemical variation, residue mobility, and thermodynamic stability) performed at Invitae indicates that this missense variant is not expected to disrupt FAH protein function. In summary, the currently available evidence indicates that the variant is pathogenic, but additional data are needed to prove that conclusively. Therefore, this variant has been classified as Likely Pathogenic. Experimental studies have shown that this missense change affects FAH function (PMID: 27397503).

Baylor Genetics
Classification: Pathogenic for Tyrosinemia type I. Last evaluated: 2022-12-28. Review status: criteria provided, single submitter. Criteria: ACMG Guidelines, 2015. Collection method: clinical testing. Allele origin: unknown.

Women's Health and Genetics/Laboratory Corporation of America, LabCorp
Classification: Pathogenic for Tyrosinemia type I. Last evaluated: 2021-01-29. Review status: criteria provided, single submitter. Criteria: LabCorp Variant Classification Summary - May 2015. Collection method: clinical testing. Allele origin: germline.
Comment: Variant summary: FAH c.424A>G (p.Arg142Gly) results in a non-conservative amino acid change located in the Fumarylacetoacetase-like, C-terminal domain of the encoded protein sequence. Five of five in-silico tools predict a damaging effect of the variant on protein function. The variant was absent in 251492 control chromosomes (gnomAD). c.424A>G has been reported in the literature in a family with three affected siblings (homozygous for the variant) who developed chronic liver disease and hepatocellular carcinoma without elevated tyrosine or succinylacetone (Blackburn_2016). The unaffected parents and two other unaffected siblings were determined to be carriers of the variant. These data indicate that the variant is very likely to be associated with disease. At least one publication showed that this variant results in loss of enzyme activity (Blackburn_2016). No clinical diagnostic laboratories have submitted clinical-significance assessments for this variant to ClinVar after 2014. Based on the evidence outlined above, the variant was classified as pathogenic.

GeneReviews
No classification provided. Condition: Tyrosinemia type I. Review status: no classification provided. Collection method: literature only. Allele origin: germline. Not counted in ClinVar's aggregate classification.

Literature cited by the submitters: PubMed 27397503 (cited by 3 submitters); PubMed 28755182 (cited by Women's Health and Genetics/Laboratory Corporation of America, LabCorp); NCBI Bookshelf NBK1515 (cited by GeneReviews); PubMed 20301688 (cited by GeneReviews).

NM_000137.4(FAH):c.424A>G (p.Arg142Gly)

Gene: FAH (fumarylacetoacetate hydrolase; plus strand). Cytogenetic location: 15q25.1.
Variant type: single nucleotide variant.
Coding change: c.424A>G on transcript NM_000137.4 (MANE Select); coding-DNA position 424, A replaced by G.
Protein change: p.Arg142Gly; replaces arginine 142 with glycine.
Molecular consequence: missense variant.
Genome position (GRCh38, 1-based): chr15:80,162,305, A>G. VCF-style: chr15-80162305-A-G. GRCh37 (hg19) VCF-style: chr15-80454647-A-G.
Other names: c.424A>G, p.Arg142Gly (NM_001374377.1, NM_001374380.1); short protein forms R142G.
Identifiers: ClinVar variation 928613 (VCV000928613.10), dbSNP rs1420414848, ClinGen allele CA393619433.